The following is an entry in ClinVar:

ClinVar aggregate classification (germline): Pathogenic (1 of 4 stars; one submission).

Conditions:
Autosomal recessive mendelian susceptibility to mycobacterial diseases due to complete RORgamma receptor deficiency. Also called: Immunodeficiency 42. Identifiers: Orphanet 477857, MedGen C5567647, MONDO:0014710, OMIM 616622.

Submission:

Labcorp Genetics (formerly Invitae), Labcorp
Classification: Pathogenic for Autosomal recessive mendelian susceptibility to mycobacterial diseases due to complete RORgamma receptor deficiency. Last evaluated: 2024-10-02. Review status: criteria provided, single submitter. Criteria: Invitae Variant Classification Sherloc (09022015). Collection method: clinical testing. Allele origin: germline.
Comment: This sequence change creates a premature translational stop signal (p.Glu303Glyfs*3) in the RORC gene. It is expected to result in an absent or disrupted protein product. Loss-of-function variants in RORC are known to be pathogenic (PMID: 26160376). This variant is not present in population databases (gnomAD no frequency). This variant has not been reported in the literature in individuals affected with RORC-related conditions. For these reasons, this variant has been classified as Pathogenic.

Literature cited by the submitters: PubMed 26160376.

NM_005060.4(RORC):c.908del (p.Glu303fs)

Gene: RORC (RAR related orphan receptor C; minus strand). Cytogenetic location: 1q21.3.
Variant type: Deletion.
Coding change: c.908del on transcript NM_005060.4 (MANE Select); coding-DNA position 908, one base deleted (A; older notation c.908delA).
Protein change: p.Glu303fs; shifts the reading frame from glutamic acid 303.
Molecular consequence: frameshift variant.
Genome position (GRCh38, 1-based): chr1:151,814,599, T deleted on the plus strand (A on the coding strand, the reverse complement: RORC is on the minus strand). VCF-style (leftmost placement, unchanged base first): chr1-151814598-CT-C. GRCh37 (hg19) VCF-style: chr1-151787074-CT-C.
Other names: c.845del, p.Glu282fs (NM_001001523.2); short protein forms E282fs, E303fs.
Identifiers: ClinVar variation 3722087 (VCV003722087.2).